The following is an entry in ClinVar:

ClinVar aggregate classification (germline): Pathogenic (1 of 4 stars; one submission).

Submission:

ISCA Site 6
Classification: Pathogenic. Last evaluated: 2011-08-12. Review status: criteria provided, single submitter. Criteria: Kaminsky et al. (Genet Med. 2011). Collection method: clinical testing. Allele origin: unknown. Affected: yes. Observed: 1 variant allele.
Comment: Copy number variation identified through the course of routine clinical cytogenomic testing in postnatal populations. Clinical assertions have been curated as described in Kaminsky et al. 2011.

GRCh37/hg19 17q12(chr17:34815184-36209228)x3

Genes: AATF (apoptosis antagonizing transcription factor; plus strand), ACACA (acetyl-CoA carboxylase alpha; minus strand), C17orf78 (chromosome 17 open reading frame 78; plus strand), DDX52 (DExD-box helicase 52; minus strand), DHRS11 (dehydrogenase/reductase 11; plus strand) and 26 more. Cytogenetic location: 17q12.
Variant type: copy number gain.
Change: copy number 3 (three copies instead of two) of chr17:34,815,184-36,209,228 (1.39 Mb, GRCh37 coordinates, 1-based), cytogenetic band 17q12.
Identifiers: ClinVar variation 58168 (VCV000058168.2).